The following is an entry in ClinVar:

NM_020366.4(RPGRIP1):c.2297A>G (p.Asn766Ser)

Gene: RPGRIP1 (RPGR interacting protein 1; plus strand). Cytogenetic location: 14q11.2.
Variant type: single nucleotide variant.
Coding change: c.2297A>G on transcript NM_020366.4 (MANE Select); coding-DNA position 2297, A replaced by G.
Protein change: p.Asn766Ser; replaces asparagine 766 with serine.
Molecular consequence: missense variant. On other transcripts: intron variant (4).
Genome position (GRCh38, 1-based): chr14:21,325,313, A>G. VCF-style: chr14-21325313-A-G. GRCh37 (hg19) VCF-style: chr14-21793472-A-G.
Other names: c.1223A>G, p.Asn408Ser (NM_001377948.1); c.796+588A>G (NM_001377949.1); c.689-2310A>G (NM_001377523.1, NM_001377950.1); c.191-2310A>G (NM_001377951.1); short protein forms N408S, N766S.
Identifiers: ClinVar variation 957244 (VCV000957244.7), dbSNP rs183607403, ClinGen allele CA7089211.

ClinVar aggregate classification (germline): Conflicting classifications of pathogenicity. Review status: criteria provided, conflicting classifications (1 of 4 stars). 3 submissions from 3 submitters: Uncertain significance (2); Likely benign (1). Last evaluated 2024-10-04.

Conditions:
Inborn genetic diseases. Identifiers: MedGen C0950123, MeSH D030342.
Cone-rod dystrophy 13 (CORD13). Identifiers: Orphanet 1872, MedGen C2750720, MONDO:0011987, OMIM 608194.
Leber congenital amaurosis 6 (LCA6). Identifiers: Orphanet 65, MedGen C1854260, MONDO:0013446, OMIM 613826.

Allele frequency attached by ClinVar (database versions not stated): gnomAD exomes 0.00001 and 0.00003; TOPMed 0.00005; ExAC 0.00006; gnomAD 0.00006 and 0.00007; ESP Exome Variant Server 0.00008; 1000 Genomes Project 30x 0.00031; 1000 Genomes Project 0.00040.
gnomAD v4.1: 21 of 1,610,616 alleles (0.0013%); highest among the groups gnomAD compares: African/African-American, 0.021%; no homozygotes.

Submissions (3):

Ambry Genetics
Classification: Uncertain significance for Inborn genetic diseases. Last evaluated: 2024-10-04. Review status: criteria provided, single submitter. Criteria: Ambry Variant Classification Scheme 2023. Collection method: clinical testing. Allele origin: germline.

Blueprint Genetics
Classification: Likely benign. Last evaluated: 2023-10-27. Review status: criteria provided, single submitter. Criteria: ACMG Guidelines, 2015. Collection method: clinical testing. Allele origin: germline.

Labcorp Genetics (formerly Invitae), Labcorp
Classification: Uncertain significance for Leber congenital amaurosis 6; Cone-rod dystrophy 13. Last evaluated: 2022-05-13. Review status: criteria provided, single submitter. Criteria: Invitae Variant Classification Sherloc (09022015). Collection method: clinical testing. Allele origin: germline.
Comment: This sequence change replaces asparagine, which is neutral and polar, with serine, which is neutral and polar, at codon 766 of the RPGRIP1 protein (p.Asn766Ser). This variant is present in population databases (rs183607403, gnomAD 0.05%). This variant has not been reported in the literature in individuals affected with RPGRIP1-related conditions. ClinVar contains an entry for this variant (Variation ID: 957244). Algorithms developed to predict the effect of missense changes on protein structure and function output the following: SIFT: "Tolerated"; PolyPhen-2: "Benign"; Align-GVGD: "Class C0". The serine amino acid residue is found in multiple mammalian species, which suggests that this missense change does not adversely affect protein function. In summary, the available evidence is currently insufficient to determine the role of this variant in disease. Therefore, it has been classified as a Variant of Uncertain Significance.